The following is an entry in ClinVar:

ClinVar aggregate classification (germline): Uncertain significance (1 of 4 stars; one submission).

Submission:

Dasa
Classification: Uncertain significance. Last evaluated: 2025-11-27. Review status: criteria provided, single submitter. Criteria: DASA Assertion Criteria. Collection method: clinical testing. Allele origin: germline.
Comment: NM_001128840.3(CACNA1D):c.6010G>C (p.Glu2004Gln) is a missense variant that results in the substitution of glutamic acid with glutamine. This variant is absent from population databases. Computational prediction algorithms are consistent with a benign effect. The currently available literature and clinical evidence are not sufficient to establish a definitive association between this variant and the reported condition. Therefore, this variant is classified as a variant of uncertain significance.

NM_001128840.3(CACNA1D):c.6010G>C (p.Glu2004Gln)

Gene: CACNA1D (calcium voltage-gated channel subunit alpha1 D; plus strand). Cytogenetic location: 3p21.1.
Variant type: single nucleotide variant.
Coding change: c.6010G>C on transcript NM_001128840.3 (MANE Select); coding-DNA position 6010, G replaced by C.
Protein change: p.Glu2004Gln; replaces glutamic acid 2004 with glutamine.
Molecular consequence: missense variant.
Genome position (GRCh38, 1-based): chr3:53,810,116, G>C. VCF-style: chr3-53810116-G-C. GRCh37 (hg19) VCF-style: chr3-53844143-G-C.
Other names: c.6070G>C, p.Glu2024Gln (NM_000720.4); c.5938G>C, p.Glu1980Gln (NM_001128839.3); short protein forms E1980Q, E2004Q, E2024Q.
Identifiers: ClinVar variation 4882151 (VCV004882151.2).